The following is an entry in ClinVar:

NM_016098.4(MPC1):c.63C>G (p.Tyr21Ter)

Gene: MPC1 (mitochondrial pyruvate carrier 1; minus strand). Cytogenetic location: 6q27.
Variant type: single nucleotide variant.
Coding change: c.63C>G on transcript NM_016098.4 (MANE Select); coding-DNA position 63, C replaced by G.
Protein change: p.Tyr21Ter; replaces tyrosine 21 with a stop codon.
Molecular consequence: nonsense. On other transcripts: 5 prime UTR variant (5), non-coding transcript variant (5).
Genome position (GRCh38, 1-based): chr6:166,382,814, G>C on the plus strand (C>G on the coding strand, the complement: MPC1 is on the minus strand). VCF-style: chr6-166382814-G-C. GRCh37 (hg19) VCF-style: chr6-166796302-G-C.
Other names: c.-283C>G (NM_001270879.2); c.-470C>G (NM_001376565.1); c.-63C>G (NM_001376566.1); c.-279C>G (NM_001376567.1); c.-254C>G (NM_001376568.1); c.63C>G, p.Tyr21Ter (NM_001376569.1); short protein forms Y21*.
Identifiers: ClinVar variation 2125142 (VCV002125142.4), dbSNP rs1779854496, ClinGen allele CA366399705.

ClinVar aggregate classification (germline): Uncertain significance (1 of 4 stars; one submission).

Submission:

Labcorp Genetics (formerly Invitae), Labcorp
Classification: Uncertain significance. Last evaluated: 2022-10-17. Review status: criteria provided, single submitter. Criteria: Invitae Variant Classification Sherloc (09022015). Collection method: clinical testing. Allele origin: germline.
Comment: This sequence change creates a premature translational stop signal (p.Tyr21*) in the MPC1 gene. It is expected to result in an absent or disrupted protein product. However, the current clinical and genetic evidence is not sufficient to establish whether loss-of-function variants in MPC1 cause disease. In summary, the available evidence is currently insufficient to determine the role of this variant in disease. Therefore, it has been classified as a Variant of Uncertain Significance. This variant has not been reported in the literature in individuals affected with MPC1-related conditions. This variant is not present in population databases (gnomAD no frequency).